The following is an entry in ClinVar:

NM_001039469.3(MARK2):c.1773_1774del (p.Ser592fs)

Gene: MARK2 (microtubule affinity regulating kinase 2; plus strand). Cytogenetic location: 11q13.1.
Variant type: Microsatellite.
Coding change: c.1773_1774del on transcript NM_001039469.3 (MANE Select); coding-DNA positions 1773 to 1774, 2 bases deleted (GT; older notation c.1773_1774delGT).
Protein change: p.Ser592fs; shifts the reading frame from serine 592.
Molecular consequence: frameshift variant.
Genome position (GRCh38, 1-based): chr11:63,904,882-63,904,883, GT deleted; deleting any 2 consecutive bases within chr11:63,904,878-63,904,883 gives the same sequence; the c. name uses the placement nearest the transcript's 3' end. VCF-style (leftmost placement, unchanged base first): chr11-63904877-GGT-G. GRCh37 (hg19) VCF-style: chr11-63672349-GGT-G.
Other names: c.1611_1612del, p.Ser538fs (NM_001163296.2); c.1608_1609del, p.Ser537fs (NM_001163297.2, NM_004954.5); c.1671_1672del, p.Ser558fs (NM_017490.4); short protein forms S537fs, S538fs, S558fs, S592fs.
Identifiers: ClinVar variation 3378091 (VCV003378091.1).
Genomic context (GRCh38, chr11:63,904,877, plus strand): 5'-CCATCCGCCCACAACATCAGCAGCAGTGGTGGAGCCCCAGACCGAACTAACTTCCCCCGG[GGT>G]GTGTCCAGCCGAAGCACCTTCCATGCTGGGCAGCTCCGACAGGTGCGGGACCAGCAGAAT-3'

ClinVar aggregate classification (germline): Uncertain significance (1 of 4 stars; one submission).

Submission:

GeneDx
Classification: Uncertain significance. Last evaluated: 2023-10-12. Review status: criteria provided, single submitter. Criteria: GeneDx Variant Classification Process June 2021. Collection method: clinical testing. Allele origin: germline. Affected: yes.
Comment: Frameshift variant predicted to result in abnormal protein length as the last 197 amino acids are replaced with 65 different amino acids in a gene for which loss-of-function is not an established mechanism of disease; Has not been previously published as pathogenic or benign to our knowledge; Variants in candidate genes are classified as variants of uncertain significance in accordance with ACMG guidelines (Richards et al., 2015)